The following is an entry in ClinVar:

NM_003803.4(MYOM1):c.2699G>A (p.Ser900Asn)

Gene: MYOM1 (myomesin 1; minus strand). Cytogenetic location: 18p11.31.
Variant type: single nucleotide variant.
Coding change: c.2699G>A on transcript NM_003803.4 (MANE Select); coding-DNA position 2699, G replaced by A.
Protein change: p.Ser900Asn; replaces serine 900 with asparagine.
Molecular consequence: missense variant. On other transcripts: intron variant (1).
Genome position (GRCh38, 1-based): chr18:3,129,327, C>T on the plus strand (G>A on the coding strand, the complement: MYOM1 is on the minus strand). VCF-style: chr18-3129327-C-T. GRCh37 (hg19) VCF-style: chr18-3129325-C-T.
Other names: c.2506+2048G>A (NM_019856.2); short protein forms S900N.
Identifiers: ClinVar variation 3672888 (VCV003672888.2).
Genomic context (GRCh38, chr18:3,129,327, plus strand): 5'-CTTTTCCCCTGAGGAGCCGCTTTCTGTGGTGGCGGGGTAAGCTCTTCCTGAACTGTTTCA[C>T]TTACTTTACTCACTTCTGTTTGGCCCAGGTTTTGAGAGCTACTGGGTAGTGAAGGTTTGT-3'
Protein context (NP_003794.3, residues 890-910): NLGQTEVSKV[Ser900Asn]ETVQEELTPP

ClinVar aggregate classification (germline): Uncertain significance (1 of 4 stars; one submission).

Conditions:
Hypertrophic cardiomyopathy. Also called: HYPERTROPHIC MYOCARDIOPATHY. Identifiers: Orphanet 217569, MedGen C0007194, MeSH D002312, MONDO:0005045, HP:0001639.

gnomAD v4.1: 2 of 1,613,990 alleles (0.00012%); highest among the groups gnomAD compares: Admixed American, 0.0033%; no homozygotes.

Submission:

Labcorp Genetics (formerly Invitae), Labcorp
Classification: Uncertain significance for Hypertrophic cardiomyopathy. Last evaluated: 2024-12-25. Review status: criteria provided, single submitter. Criteria: Invitae Variant Classification Sherloc (09022015). Collection method: clinical testing. Allele origin: germline.
Comment: This sequence change replaces serine, which is neutral and polar, with asparagine, which is neutral and polar, at codon 900 of the MYOM1 protein (p.Ser900Asn). This variant is present in population databases (no rsID available, gnomAD 0.003%). This variant has not been reported in the literature in individuals affected with MYOM1-related conditions. An algorithm developed to predict the effect of missense changes on protein structure and function (PolyPhen-2) suggests that this variant is likely to be tolerated. In summary, the available evidence is currently insufficient to determine the role of this variant in disease. Therefore, it has been classified as a Variant of Uncertain Significance.